The following is an entry in ClinVar:

NM_022821.4(ELOVL1):c.520G>A (p.Val174Met)

Gene: ELOVL1 (ELOVL fatty acid elongase 1; minus strand). Cytogenetic location: 1p34.2.
Variant type: single nucleotide variant.
Coding change: c.520G>A on transcript NM_022821.4 (MANE Select); coding-DNA position 520, G replaced by A.
Protein change: p.Val174Met; replaces valine 174 with methionine.
Molecular consequence: missense variant. On other transcripts: non-coding transcript variant (1).
Genome position (GRCh38, 1-based): chr1:43,364,422, C>T on the plus strand (G>A on the coding strand, the complement: ELOVL1 is on the minus strand). VCF-style: chr1-43364422-C-T. GRCh37 (hg19) VCF-style: chr1-43830093-C-T.
Other names: c.520G>A, p.Val174Met (NM_001256399.2); c.439G>A, p.Val147Met (NM_001256401.2); c.277G>A, p.Val93Met (NM_001256402.2); c.520G>A (NM_022821.2); short protein forms V93M, V147M, V174M.
Identifiers: ClinVar variation 2795132 (VCV002795132.4), dbSNP rs748707708, ClinGen allele CA21624070.

ClinVar aggregate classification (germline): Uncertain significance. Review status: criteria provided, multiple submitters, no conflicts (2 of 4 stars). 2 submissions from 2 submitters: Uncertain significance (2). Last evaluated 2025-09-04.

Allele frequency attached by ClinVar (database versions not stated): gnomAD exomes below 0.00001; gnomAD 0.00001; TOPMed 0.00001.

Submissions (2):

Ambry Genetics
Classification: Uncertain significance. Last evaluated: 2025-09-04. Review status: criteria provided, single submitter. Criteria: Ambry Variant Classification Scheme 2023. Collection method: clinical testing. Allele origin: germline.

Labcorp Genetics (formerly Invitae), Labcorp
Classification: Uncertain significance. Last evaluated: 2023-10-15. Review status: criteria provided, single submitter. Criteria: Invitae Variant Classification Sherloc (09022015). Collection method: clinical testing. Allele origin: germline.
Comment: This sequence change replaces valine, which is neutral and non-polar, with methionine, which is neutral and non-polar, at codon 174 of the ELOVL1 protein (p.Val174Met). This variant is present in population databases (no rsID available, gnomAD 0.01%). This variant has not been reported in the literature in individuals affected with ELOVL1-related conditions. Advanced modeling of protein sequence and biophysical properties (such as structural, functional, and spatial information, amino acid conservation, physicochemical variation, residue mobility, and thermodynamic stability) performed at Invitae indicates that this missense variant is expected to disrupt ELOVL1 protein function. In summary, the available evidence is currently insufficient to determine the role of this variant in disease. Therefore, it has been classified as a Variant of Uncertain Significance.